The following continues an entry in ClinVar:

NM_000070.3(CAPN3):c.2120A>G (p.Asp707Gly)

Gene: CAPN3. ClinVar aggregate classification (germline): Pathogenic. Pathogenic (1).

Submissions 11 to 22 of 22:

Victorian Clinical Genetics Services, Murdoch Childrens Research Institute
Classification: Pathogenic for Autosomal recessive limb-girdle muscular dystrophy type 2A. Last evaluated: 2023-07-17. Review status: criteria provided, single submitter. Criteria: ACMG Guidelines, 2015. Collection method: clinical testing. Allele origin: germline. Inheritance: Autosomal recessive inheritance. Affected: yes. Not counted in ClinVar's aggregate classification.
Comment: Based on the classification scheme VCGS_Germline_v1.3.4, this variant is classified as Pathogenic. Following criteria are met: 0102 - Loss of function is a known mechanism of disease in this gene and is associated with autosomal recessive limb-girdle muscular dystrophy 1 (MIM#253600). Dominant-negative is the suggested mechanism for autosomal dominant limb-girdle muscular dystrophy 4 (MIM#618129; PMIDs: 27259757, 28881388). (I) 0108 - This gene is associated with both recessive and dominant disease. Autosomal dominant limb-girdle muscular dystrophy is associated with milder presentation and later onset (PMID: 32342993). (I) 0200 - Variant is predicted to result in a missense amino acid change from aspartic acid to glycine. (I) 0251 - This variant is heterozygous. (I) 0304 - Variant is present in gnomAD <0.01 (v2: 42 heterozygotes, 0 homozygotes). (SP) 0501 - Missense variant consistently predicted to be damaging by multiple in silico tools or highly conserved with a major amino acid change. (SP) 0604 - Variant is not located in an established domain, motif, hotspot or informative constraint region. (I) 0801 - This variant has strong previous evidence of pathogenicity in unrelated individuals. It has been reported in several affected individuals, including at least one homozygote, and classified as likely pathogenic and pathogenic by diagnostic laboratories in ClinVar (Shariant; PMID: 32994280 ). (SP) 1101 - Very strong and specific phenotype match for this individual. (SP) 1208 - Inheritance information for this variant is not currently available in this individual. (I) Legend: (SP) - Supporting pathogenic, (I) - Information, (SB) - Supporting benign

Neuberg Centre For Genomic Medicine, NCGM
Classification: Likely pathogenic for Autosomal recessive limb-girdle muscular dystrophy type 2A. Last evaluated: 2023-06-22. Review status: criteria provided, single submitter. Criteria: ACMG Guidelines, 2015. Collection method: clinical testing. Allele origin: germline. Inheritance: Autosomal recessive inheritance. Affected: yes. Not counted in ClinVar's aggregate classification.
Comment: The missense c.2120A>G (p.Asp707Gly) variant in CAPN3 gene has been reported in compound heterozygous state in multiple individuals affected with autosomal recessive Muscular dystrophy, limb-girdle (Park et. al., 2016; Park et. al., 2017). The p.Asp707Gly variant is present with allele frequency of 0.01% in gnomAD exomes database. This variant has been submitted to the ClinVar database as Pathogenic / Likely Pathogenic. The variant is located in a well-established functional domain or exonic hotspot, where pathogenic variants have frequently reported. Multiple lines of computational evidence (Polyphen - probably damaging, SIFT - damaging and MutationTaster - disease causing) predict a damaging effect on protein structure and function for this variant. The reference amino acid at this position on CAPN3 gene is predicted as as conserved by GERP++ and PhyloP across 100 vertebrates. The amino acid Asp at position 707 is changed to a Gly changing protein sequence and it might alter its composition and physico-chemical properties. For these reasons, this variant has been classified as Likely Pathogenic. In the absence of another reportable variant in CAPN3 gene, the molecular diagnosis is not confirmed.

Kariminejad - Najmabadi Pathology & Genetics Center
Classification: Likely pathogenic for Autosomal recessive limb-girdle muscular dystrophy type 2A. Last evaluated: 2022-04-26. Review status: criteria provided, single submitter. Criteria: ACMG Guidelines, 2015. Collection method: clinical testing. Allele origin: germline. Inheritance: Autosomal recessive inheritance. Affected: yes. Not counted in ClinVar's aggregate classification.
Comment: PM1,PM2,PP3,PP5

GeneDx
Classification: Pathogenic. Last evaluated: 2022-01-27. Review status: criteria provided, single submitter. Criteria: GeneDx Variant Classification Process June 2021. Collection method: clinical testing. Allele origin: germline. Affected: yes. Not counted in ClinVar's aggregate classification.
Comment: Published functional studies demonstrate no detectable protein in the muscle tissue of a patient homozygous for this variant (PMID: 10567047); In silico analysis supports that this missense variant has a deleterious effect on protein structure/function; This variant is associated with the following publications: (PMID: 36066420, 25525159, 27363342, 30127231, 30919934, 10567047, 26632398, 31656265, 33899113, 25252031, 25079074, 32573981, 27066573, 34323405, 11525884, 27500519, 32994280, 35314707, 28403181)

Blueprint Genetics
Classification: Pathogenic for CAPN3-related disorders. Last evaluated: 2021-07-05. Review status: criteria provided, single submitter. Criteria: ACMG Guidelines, 2015. Collection method: clinical testing. Allele origin: germline. Affected: yes. Observed: 3 variant alleles. Not counted in ClinVar's aggregate classification.

Medical Genetic Department, The Affiliated Hospital of Qingdao University
Classification: Pathogenic for Autosomal recessive limb-girdle muscular dystrophy type 2A. Last evaluated: 2020-12-01. Review status: criteria provided, single submitter. Criteria: ACMG Guidelines, 2015. Collection method: research. Allele origin: inherited. Affected: yes. Observed: 1 variant allele, 1 compound heterozygote. Not counted in ClinVar's aggregate classification.
Comment: The missense variant c.2120A>G/p.(Asp707Gly) in exon 20 resulted in a single-nucleotide polymorphism (A to G) at site 2120 in the coding region of CAPN3 (NM_000070.2), which introduced an aspartic acid residue that replaced a glycine in codon 707 (Fig. 3A). This variant was previously reported in multiple (>10) homozygous or compound heterozygous patients with LGMDs (PM3-PVS), which co-segregated within a family (PP1-PM). The normal population database includes this variant; its frequency is 0.0148% (42/282854, gnomAD) (PM2); bioinformatics analysis software SIFT, PolyPhen2, and Variant Taster consistently predicted the variant to be harmful (PP3). In addition, the variant is included in ClinVar as a â€œpathogenic/suspected pathogenic variant.â€ According to available evidence, the variant is defined as pathogenic (PM3-PVS+PM2+PP1-PM+PP3) based on the 2015 ACMG guidelines for sequence variant interpretation.

Myriad Genetics, Inc.
Classification: Pathogenic for Autosomal recessive limb-girdle muscular dystrophy type 2A. Last evaluated: 2020-01-06. Review status: criteria provided, single submitter. Criteria: Myriad Women's Health Autosomal Recessive and X-Linked Classification Criteria (2019). Collection method: clinical testing. Allele origin: unknown. Not counted in ClinVar's aggregate classification.
Comment: NM_000070.2(CAPN3):c.2120A>G(D707G) is classified as pathogenic in the context of calpainopathy. Sources cited for classification include the following: PMID 25079074, 26632398, 11525884 and 27066573. Classification of NM_000070.2(CAPN3):c.2120A>G(D707G) is based on the following criteria: This is a well-established pathogenic variant in the literature that has been observed more frequently in patients with clinical diagnoses than in healthy populations. Please note: this variant was assessed in the context of healthy population screening.

NeuroMeGen, Hospital Clinico Santiago de Compostela
Classification: Likely pathogenic for Autosomal recessive limb-girdle muscular dystrophy type 2A. Last evaluated: 2018-10-08. Review status: criteria provided, single submitter. Criteria: ACMG Guidelines, 2015. Collection method: clinical testing. Allele origin: unknown. Affected: yes. Observed: 1 heterozygote. Not counted in ClinVar's aggregate classification.

Eurofins Ntd Llc (ga)
Classification: Pathogenic. Last evaluated: 2016-10-14. Review status: criteria provided, single submitter. Criteria: EGL Classification Definitions 2015. Collection method: clinical testing. Allele origin: germline. Observed: 2 variant alleles, 2 heterozygotes. Not counted in ClinVar's aggregate classification.

Baylor Genetics
Classification: Pathogenic for Autosomal recessive limb-girdle muscular dystrophy type 2A. Review status: criteria provided, single submitter. Criteria: ACMG Guidelines, 2015. Collection method: clinical testing. Allele origin: germline. Not counted in ClinVar's aggregate classification.

Juno Genomics, Hangzhou Juno Genomics, Inc
Classification: Pathogenic for Autosomal recessive limb-girdle muscular dystrophy type 2A. Review status: criteria provided, single submitter. Criteria: ACMG Guidelines, 2015. Collection method: clinical testing. Allele origin: germline. Not counted in ClinVar's aggregate classification.
Comment: Multiple lines of computational evidence support a deleterious effect on the gene or gene product.;For recessive disorders, detected in trans with a pathogenic variant.;Co-segregation with disease in multiple affected family members.;Patient's phenotype or family history is highly specific for a disease with a single genetic etiology.

PreventionGenetics, part of Exact Sciences
Classification: Pathogenic for CAPN3-related condition. Last evaluated: 2024-02-02. Review status: no assertion criteria provided. Collection method: clinical testing. Allele origin: germline. Not counted in ClinVar's aggregate classification.
Comment: The CAPN3 c.2120A>G variant is predicted to result in the amino acid substitution p.Asp707Gly. This variant has been reported with a second CAPN3 variant or in the homozygous state in individuals with limb-girdle muscular dystrophy (see, for example, Minami et al. 1999. PubMed ID: 10567047; Chae et al. 2001. PubMed ID: 11525884; Park et al. 2016. PubMed ID: 26632398). This variant is reported in 0.21% of alleles in individuals of East Asian descent in gnomAD. This variant is interpreted as pathogenic.

Literature cited by the submitters: PubMed 10567047 (cited by 4 submitters); PubMed 11525884 (cited by 3 submitters); PubMed 25252031 (cited by Labcorp Genetics (formerly Invitae), Labcorp); PubMed 26632398 (cited by 3 submitters); PubMed 28403181 (cited by Dasa and Natera, Inc.); PubMed 17258832 (cited by Dasa); PubMed 19556129 (cited by Dasa); PubMed 27066573 (cited by Dasa and Myriad Genetics, Inc.); PubMed 33899113 (cited by Dasa); PubMed 30127231 (cited by Dasa); PubMed 37974208 (cited by Dasa); PubMed 32994280 (cited by Dasa and Victorian Clinical Genetics Services, Murdoch Childrens Research Institute); PubMed 39188286 (cited by Dasa); PubMed 27259757 (cited by Victorian Clinical Genetics Services, Murdoch Childrens Research Institute); PubMed 28881388 (cited by Victorian Clinical Genetics Services, Murdoch Childrens Research Institute); PubMed 32342993 (cited by Victorian Clinical Genetics Services, Murdoch Childrens Research Institute); PubMed 27363342 (cited by Medical Genetic Department, The Affiliated Hospital of Qingdao University); PubMed 30919934 (cited by Medical Genetic Department, The Affiliated Hospital of Qingdao University); PubMed 25079074 (cited by Myriad Genetics, Inc.).